The following is an entry in ClinVar:

NM_005732.4(RAD50):c.2917A>T (p.Lys973Ter)

Gene: RAD50 (RAD50 double strand break repair protein; plus strand). Cytogenetic location: 5q31.1.
Variant type: single nucleotide variant.
Coding change: c.2917A>T on transcript NM_005732.4 (MANE Select); coding-DNA position 2917, A replaced by T.
Protein change: p.Lys973Ter; replaces lysine 973 with a stop codon.
Molecular consequence: nonsense.
Genome position (GRCh38, 1-based): chr5:132,609,204, A>T. VCF-style: chr5-132609204-A-T. GRCh37 (hg19) VCF-style: chr5-131944896-A-T.
Other names: short protein forms K973*.
Identifiers: ClinVar variation 2015508 (VCV002015508.4), dbSNP rs2479371216, ClinGen allele CA360960047.

ClinVar aggregate classification (germline): Pathogenic (1 of 4 stars; one submission).

Conditions:
Hereditary cancer-predisposing syndrome. Also called: Hereditary Cancer Syndrome; Neoplastic Syndromes, Hereditary; Hereditary neoplastic syndrome; Tumor predisposition. Identifiers: Orphanet 140162, MedGen C0027672, MeSH D009386, MONDO:0015356.

Allele frequency attached by ClinVar (database versions not stated): gnomAD exomes below 0.00001.
gnomAD v4.1: 1 of 1,610,858 alleles (0.000062%); highest among the groups gnomAD compares: Non-Finnish European, 0.000085%; no homozygotes.

Submission:

Labcorp Genetics (formerly Invitae), Labcorp
Classification: Pathogenic for Hereditary cancer-predisposing syndrome. Last evaluated: 2022-07-09. Review status: criteria provided, single submitter. Criteria: Invitae Variant Classification Sherloc (09022015). Collection method: clinical testing. Allele origin: germline.
Comment: For these reasons, this variant has been classified as Pathogenic. This variant has not been reported in the literature in individuals affected with RAD50-related conditions. This variant is not present in population databases (gnomAD no frequency). This sequence change creates a premature translational stop signal (p.Lys973*) in the RAD50 gene. It is expected to result in an absent or disrupted protein product. Loss-of-function variants in RAD50 are known to be pathogenic (PMID: 19409520).

Literature cited by the submitters: PubMed 19409520.